The following is an entry in ClinVar:

NM_001244008.2(KIF1A):c.2423A>G (p.Tyr808Cys)

Gene: KIF1A (kinesin family member 1A; minus strand). Cytogenetic location: 2q37.3.
Variant type: single nucleotide variant.
Coding change: c.2423A>G on transcript NM_001244008.2 (MANE Select); coding-DNA position 2423, A replaced by G.
Protein change: p.Tyr808Cys; replaces tyrosine 808 with cysteine.
Molecular consequence: missense variant.
Genome position (GRCh38, 1-based): chr2:240,760,686, T>C on the plus strand (A>G on the coding strand, the complement: KIF1A is on the minus strand). VCF-style: chr2-240760686-T-C. GRCh37 (hg19) VCF-style: chr2-241700103-T-C.
Other names: c.2423A>G, p.Tyr808Cys (NM_001320705.2, NM_001330289.2, NM_001379638.1); c.2498A>G, p.Tyr833Cys (NM_001330290.2, NM_001379631.1, NM_001379634.1 and 2 more transcripts); c.2396A>G, p.Tyr799Cys (NM_001379632.1, NM_001379633.1, NM_001379636.1 and 11 more transcripts); c.2471A>G, p.Tyr824Cys (NM_001379637.1, NM_001379648.1); c.2396A>G (NM_004321.6); short protein forms Y799C, Y824C, Y808C, Y833C.
Identifiers: ClinVar variation 2930145 (VCV002930145.4), dbSNP rs1346996612, ClinGen allele CA351324534.

ClinVar aggregate classification (germline): Uncertain significance. Review status: criteria provided, multiple submitters, no conflicts (2 of 4 stars). 2 submissions from 2 submitters: Uncertain significance (2). Last evaluated 2025-08-22.

Conditions:
Neuropathy, hereditary sensory, type 2C. Also called: Hereditary sensory and autonomic neuropathy type IIC; KIF1A-Related HSAN2 (HSAN2C). Identifiers: Orphanet 970, MedGen C3280168, MONDO:0013634, OMIM 614213.
Hereditary spastic paraplegia 30. Identifiers: Orphanet 101010, MedGen C5235139, MONDO:0012476.
Intellectual disability, autosomal dominant 9 (NESCAVS). Also called: NESCAV SYNDROME; KIF1A-Related Neurodevelopmental Disorder. Identifiers: Orphanet 662367, MedGen C5393830, MONDO:0013656, OMIM 614255.

gnomAD v4.1: 11 of 1,563,708 alleles (0.0007%); highest among the groups gnomAD compares: East Asian, 0.019%; no homozygotes.

Submissions (2):

Labcorp Genetics (formerly Invitae), Labcorp
Classification: Uncertain significance for Hereditary spastic paraplegia 30; Neuropathy, hereditary sensory, type 2C; Intellectual disability, autosomal dominant 9. Last evaluated: 2025-08-22. Review status: criteria provided, single submitter. Criteria: Invitae Variant Classification Sherloc (09022015). Collection method: clinical testing. Allele origin: germline.
Comment: This sequence change replaces tyrosine, which is neutral and polar, with cysteine, which is neutral and slightly polar, at codon 799 of the KIF1A protein (p.Tyr799Cys). This variant is present in population databases (no rsID available, gnomAD 0.01%). This missense change has been observed in individual(s) with clinical features of KIF1A-related conditions (PMID: 36284339). ClinVar contains an entry for this variant (Variation ID: 2930145). Invitae Evidence Modeling of protein sequence and biophysical properties (such as structural, functional, and spatial information, amino acid conservation, physicochemical variation, residue mobility, and thermodynamic stability) has been performed for this missense variant. However, the output from this modeling did not meet the statistical confidence thresholds required to predict the impact of this variant on KIF1A protein function. Experimental studies have shown that this missense change does not substantially affect KIF1A function (PMID: 36284339). In summary, the available evidence is currently insufficient to determine the role of this variant in disease. Therefore, it has been classified as a Variant of Uncertain Significance.

GeneDx
Classification: Uncertain significance. Last evaluated: 2024-05-09. Review status: criteria provided, single submitter. Criteria: GeneDx Variant Classification Process June 2021. Collection method: clinical testing. Allele origin: germline. Affected: yes.
Comment: Previously identified in an individual with sporadic amyotrophic lateral sclerosis and cognition impairment (PMID: 36284339); Published functional studies demonstrate a similar protein level as wild type without a significant affect on the colocalization of KIF1A and RAB3A (PMID: 36284339); In silico analysis supports that this missense variant has a deleterious effect on protein structure/function; This variant is associated with the following publications: (PMID: 36284339)

Literature cited by the submitters: PubMed 36284339 (cited by Labcorp Genetics (formerly Invitae), Labcorp).